The following is an entry in ClinVar:

ClinVar aggregate classification (germline): Likely pathogenic (1 of 4 stars; one submission).

Conditions:
Cardiovascular phenotype. Identifiers: MedGen CN230736.

Submission:

Molecular Diagnostic Laboratory for Inherited Cardiovascular Disease, Montreal Heart Institute
Classification: Likely pathogenic for Cardiovascular phenotype. Last evaluated: 2025-03-03. Review status: criteria provided, single submitter. Criteria: ACMG Guidelines, 2015. Collection method: clinical testing. Allele origin: germline. Affected: yes.
Comment: PVS1, PM2

NM_000238.4(KCNH2):c.2785G>T (p.Glu929Ter)

Gene: KCNH2 (potassium voltage-gated channel subfamily H member 2; minus strand). Cytogenetic location: 7q36.1.
Variant type: single nucleotide variant.
Coding change: c.2785G>T on transcript NM_000238.4 (MANE Select); coding-DNA position 2785, G replaced by T.
Protein change: p.Glu929Ter; replaces glutamic acid 929 with a stop codon.
Molecular consequence: nonsense.
Genome position (GRCh38, 1-based): chr7:150,947,786, C>A on the plus strand (G>T on the coding strand, the complement: KCNH2 is on the minus strand). VCF-style: chr7-150947786-C-A. GRCh37 (hg19) VCF-style: chr7-150644874-C-A.
Other names: c.2497G>T, p.Glu833Ter (NM_001406753.1); c.1765G>T, p.Glu589Ter (NM_172057.3); short protein forms E589*, E833*, E929*.
Identifiers: ClinVar variation 3895444 (VCV003895444.1).